The following is an entry in ClinVar:

ClinVar aggregate classification (germline): Uncertain significance (1 of 4 stars; one submission).

Submission:

Women's Health and Genetics/Laboratory Corporation of America, LabCorp
Classification: Uncertain significance. Last evaluated: 2023-09-18. Review status: criteria provided, single submitter. Criteria: LabCorp Variant Classification Summary - May 2015. Collection method: clinical testing. Allele origin: germline.
Comment: Variant summary: EHHADH c.2100dupA (p.Leu701ThrfsX20) results in a premature termination codon, predicted to cause a truncation of the encoded protein or absence of the protein due to nonsense mediated decay, however current evidence is not sufficient to establish loss-of-function variants in EHHADH as causative of disease. The variant allele was found at a frequency of 0.00012 in 250948 control chromosomes. To our knowledge, no occurrence of c.2100dupA in individuals affected with Fanconi Renotubular Syndrome 3 and no experimental evidence demonstrating its impact on protein function have been reported. No submitters have cited clinical-significance assessments for this variant to ClinVar after 2014. Based on the evidence outlined above, the variant was classified as uncertain significance.

NM_001966.4(EHHADH):c.2100dup (p.Leu701fs)

Gene: EHHADH (enoyl-CoA hydratase and 3-hydroxyacyl CoA dehydrogenase; minus strand). Cytogenetic location: 3q27.2.
Variant type: Duplication.
Coding change: c.2100dup on transcript NM_001966.4 (MANE Select); coding-DNA position 2100, one base duplicated (A; older notation c.2100dupA).
Protein change: p.Leu701fs; shifts the reading frame from leucine 701.
Molecular consequence: frameshift variant.
Genome position (GRCh38, 1-based): chr3:185,192,298, T duplicated on the plus strand (A on the coding strand, the reverse complement: EHHADH is on the minus strand); the first of 7 consecutive T bases (chr3:185,192,298-185,192,304); duplicating any one gives the same sequence. VCF-style (leftmost placement, unchanged base first): chr3-185192297-G-GT. GRCh37 (hg19) VCF-style: chr3-184910085-G-GT.
Other names: c.1812dup, p.Leu605fs (NM_001166415.2); short protein forms L605fs, L701fs.
Identifiers: ClinVar variation 2627266 (VCV002627266.1), dbSNP rs747455018, ClinGen allele CA2738851.